The following is an entry in ClinVar:

NM_030667.3(PTPRO):c.550G>C (p.Gly184Arg)

Gene: PTPRO (protein tyrosine phosphatase receptor type O; plus strand). Cytogenetic location: 12p12.3.
Variant type: single nucleotide variant.
Coding change: c.550G>C on transcript NM_030667.3 (MANE Select); coding-DNA position 550, G replaced by C.
Protein change: p.Gly184Arg; replaces glycine 184 with arginine.
Molecular consequence: missense variant.
Genome position (GRCh38, 1-based): chr12:15,499,483, G>C. VCF-style: chr12-15499483-G-C. GRCh37 (hg19) VCF-style: chr12-15652417-G-C.
Other names: c.550G>C, p.Gly184Arg (NM_002848.4); short protein forms G184R.
Identifiers: ClinVar variation 2054698 (VCV002054698.4), dbSNP rs2539936483, ClinGen allele CA384024162.

ClinVar aggregate classification (germline): Uncertain significance (1 of 4 stars; one submission).

Submission:

Labcorp Genetics (formerly Invitae), Labcorp
Classification: Uncertain significance. Last evaluated: 2022-01-07. Review status: criteria provided, single submitter. Criteria: Invitae Variant Classification Sherloc (09022015). Collection method: clinical testing. Allele origin: germline.
Comment: This variant has not been reported in the literature in individuals affected with PTPRO-related conditions. This sequence change replaces glycine, which is neutral and non-polar, with arginine, which is basic and polar, at codon 184 of the PTPRO protein (p.Gly184Arg). This variant is not present in population databases (gnomAD no frequency). Algorithms developed to predict the effect of missense changes on protein structure and function (SIFT, PolyPhen-2, Align-GVGD) all suggest that this variant is likely to be disruptive. In summary, the available evidence is currently insufficient to determine the role of this variant in disease. Therefore, it has been classified as a Variant of Uncertain Significance.